The following is an entry in ClinVar:

NM_001127222.2(CACNA1A):c.6484G>A (p.Ala2162Thr)

Gene: CACNA1A (calcium voltage-gated channel subunit alpha1 A; minus strand). Cytogenetic location: 19p13.13.
Variant type: single nucleotide variant.
Coding change: c.6484G>A on transcript NM_001127222.2 (MANE Select); coding-DNA position 6484, G replaced by A.
Protein change: p.Ala2162Thr; replaces alanine 2162 with threonine.
Molecular consequence: missense variant.
Genome position (GRCh38, 1-based): chr19:13,209,354, C>T on the plus strand (G>A on the coding strand, the complement: CACNA1A is on the minus strand). VCF-style: chr19-13209354-C-T. GRCh37 (hg19) VCF-style: chr19-13320168-C-T.
Other names: c.6502G>A, p.Ala2168Thr (NM_000068.4, NM_023035.3); c.6487G>A, p.Ala2163Thr (NM_001127221.2); c.6493G>A, p.Ala2165Thr (NM_001174080.2); short protein forms A2162T, A2165T, A2163T, A2168T.
Identifiers: ClinVar variation 642583 (VCV000642583.46), dbSNP rs17846928, ClinGen allele CA9239346.
Genomic context (GRCh38, chr19:13,209,354, plus strand): 5'-CACCACAGGGCTGCCCACCTGTGTCCACATCGGTGTAGCGGCCCAGGGAGCGCTCAGAGG[C>T]GCGGTGGCTGCGGTCGCGGCGCCGCTGGTGGTGCCGCTGGTTCTCCTCGGGCGGGACCCG-3'
Protein context (NP_001120694.1, residues 2152-2172): HQRRRDRSHR[Ala2162Thr]SERSLGRYTD

ClinVar aggregate classification (germline): Conflicting classifications of pathogenicity. Review status: criteria provided, conflicting classifications (1 of 4 stars). 5 submissions from 5 submitters: Uncertain significance (2); Likely benign (3). Last evaluated 2025-08-20.

Conditions:
Episodic ataxia type 2 (EA2). Also called: ACETAZOLAMIDE-RESPONSIVE HEREDITARY PAROXYSMAL CEREBELLAR ATAXIA; ATAXIA, EPISODIC, WITH NYSTAGMUS; ATAXIA, FAMILIAL PAROXYSMAL; CEREBELLAR ATAXIA, PAROXYSMAL, ACETAZOLAMIDE-RESPONSIVE; CEREBELLOPATHY, HEREDITARY PAROXYSMAL; EPISODIC ATAXIA, NYSTAGMUS-ASSOCIATED. Identifiers: Orphanet 97, MedGen C1720416, MONDO:0007163, OMIM 108500.
Developmental and epileptic encephalopathy, 42 (DEE42A). Also called: Epileptic encephalopathy, early infantile, 42; DEVELOPMENTAL AND EPILEPTIC ENCEPHALOPATHY 42A; EPILEPTIC ENCEPHALOPATHY, EARLY INFANTILE, 42A. Identifiers: MedGen C4310716, MONDO:0014917, OMIM 617106.
Inborn genetic diseases. Identifiers: MedGen C0950123, MeSH D030342.

Allele frequency attached by ClinVar (database versions not stated): ExAC below 0.00001; gnomAD below 0.00001 and 0.00001; TOPMed 0.00001; gnomAD exomes 0.00002.
gnomAD v4.1: 28 of 1,385,088 alleles (0.002%); highest among the groups gnomAD compares: South Asian, 0.018%; no homozygotes.

Submissions (5):

Labcorp Genetics (formerly Invitae), Labcorp
Classification: Uncertain significance for Developmental and epileptic encephalopathy, 42; Episodic ataxia type 2. Last evaluated: 2025-08-20. Review status: criteria provided, single submitter. Criteria: Invitae Variant Classification Sherloc (09022015). Collection method: clinical testing. Allele origin: germline.
Comment: This sequence change replaces alanine, which is neutral and non-polar, with threonine, which is neutral and polar, at codon 2163 of the CACNA1A protein (p.Ala2163Thr). This variant is not present in population databases (gnomAD no frequency). This variant has not been reported in the literature in individuals affected with CACNA1A-related conditions. ClinVar contains an entry for this variant (Variation ID: 642583). Invitae Evidence Modeling of protein sequence and biophysical properties (such as structural, functional, and spatial information, amino acid conservation, physicochemical variation, residue mobility, and thermodynamic stability) indicates that this missense variant is not expected to disrupt CACNA1A protein function with a negative predictive value of 95%. In summary, the available evidence is currently insufficient to determine the role of this variant in disease. Therefore, it has been classified as a Variant of Uncertain Significance.

Ambry Genetics
Classification: Likely benign for Inborn genetic diseases. Last evaluated: 2022-11-03. Review status: criteria provided, single submitter. Criteria: Ambry Variant Classification Scheme 2023. Collection method: clinical testing. Allele origin: germline.

GeneDx
Classification: Likely benign. Last evaluated: 2021-07-28. Review status: criteria provided, single submitter. Criteria: GeneDx Variant Classification Process June 2021. Collection method: clinical testing. Allele origin: germline. Affected: yes.
Comment: In silico analysis, which includes protein predictors and evolutionary conservation, supports that this variant does not alter protein structure/function Has not been previously published as pathogenic or benign to our knowledge

CeGaT Center for Human Genetics Tuebingen
Classification: Likely benign. Last evaluated: 2021-04-01. Review status: criteria provided, single submitter. Criteria: CeGaT Center For Human Genetics Tuebingen Variant Classification Criteria Version 2. Collection method: clinical testing. Allele origin: germline. Affected: yes. Observed: 1 variant allele.

Neuberg Centre For Genomic Medicine, NCGM
Classification: Uncertain significance for Developmental and epileptic encephalopathy, 42. Review status: criteria provided, single submitter. Criteria: ACMG Guidelines, 2015. Collection method: clinical testing. Allele origin: germline. Inheritance: Autosomal dominant inheritance. Affected: yes. Observed: 1 heterozygote.
Comment: The splice region c.4778-8C>A variant in CACNA1H gene has not been reported previously as a pathogenic variant nor as a benign variant, to our knowledge. This variant is novel (not in any individuals) in gnomAD Exomes and 1000 Genomes. This splice region variant in intron 26 affects the position nine nucleotides upstream of exon 27. Splice predictions do not report a damaging effect for this variant. For these reasons, this variant has been classified as Uncertain Significance (VUS).